The following is an entry in ClinVar:

ClinVar aggregate classification (germline): Uncertain significance (0 of 4 stars; one submission).

Conditions:
SCAPER-related disorder. Also called: SCAPER-related condition.

gnomAD v4.1: 4 of 1,612,924 alleles (0.00025%); highest among the groups gnomAD compares: Non-Finnish European, 0.00034%; no homozygotes.

Submission:

PreventionGenetics, part of Exact Sciences
Classification: Uncertain significance for SCAPER-related condition. Last evaluated: 2024-08-06. Review status: no assertion criteria provided. Collection method: clinical testing. Allele origin: germline.
Comment: The SCAPER c.1778T>C variant is predicted to result in the amino acid substitution p.Leu593Pro. To our knowledge, this variant has not been reported in the literature or in a large population database, indicating this variant is rare. At this time, the clinical significance of this variant is uncertain due to the absence of conclusive functional and genetic evidence.

NM_020843.4(SCAPER):c.1760T>C (p.Leu587Pro)

Gene: SCAPER (S-phase cyclin A associated protein in the ER; minus strand). Cytogenetic location: 15q24.3.
Variant type: single nucleotide variant.
Coding change: c.1760T>C on transcript NM_020843.4 (MANE Select); coding-DNA position 1760, T replaced by C.
Protein change: p.Leu587Pro; replaces leucine 587 with proline.
Molecular consequence: missense variant. On other transcripts: non-coding transcript variant (1).
Genome position (GRCh38, 1-based): chr15:76,753,914, A>G on the plus strand (T>C on the coding strand, the complement: SCAPER is on the minus strand). VCF-style: chr15-76753914-A-G. GRCh37 (hg19) VCF-style: chr15-77046255-A-G.
Other names: c.1022T>C, p.Leu341Pro (NM_001145923.2); c.1778T>C, p.Leu593Pro (NM_001353009.2); c.1358T>C, p.Leu453Pro (NM_001353010.2, NM_001353012.2); c.1376T>C, p.Leu459Pro (NM_001353011.2); short protein forms L341P, L453P, L459P, L587P, L593P.
Identifiers: ClinVar variation 3356821 (VCV003356821.1).